The following is an entry in ClinVar:

NM_001354640.2(CIROP):c.1233C>T (p.Ile411=)

Gene: CIROP (ciliated left-right organizer metallopeptidase; minus strand). Cytogenetic location: 14q11.2.
Variant type: single nucleotide variant.
Coding change: c.1233C>T on transcript NM_001354640.2 (MANE Select); coding-DNA position 1233, C replaced by T.
Protein change: p.Ile411=; no amino-acid change (isoleucine 411 retained).
Molecular consequence: synonymous variant.
Genome position (GRCh38, 1-based): chr14:23,102,168, G>A on the plus strand (C>T on the coding strand, the complement: CIROP is on the minus strand). VCF-style: chr14-23102168-G-A. GRCh37 (hg19) VCF-style: chr14-23571377-G-A.
Other names: c.1068C>T, p.Ile356= (NM_001402427.1).
Identifiers: ClinVar variation 2644089 (VCV002644089.24), dbSNP rs189668501, ClinGen allele CA7110971.

ClinVar aggregate classification (germline): Likely benign (1 of 4 stars; one submission).

Allele frequency attached by ClinVar (database versions not stated): gnomAD 0.00003; TOPMed 0.00003; gnomAD exomes 0.00005; ExAC 0.00008; 1000 Genomes Project 30x 0.00016; 1000 Genomes Project 0.00020.
gnomAD v4.1: 32 of 702,988 alleles (0.0046%); highest among the groups gnomAD compares: Admixed American, 0.036%; no homozygotes.

Submission:

CeGaT Center for Human Genetics Tuebingen
Classification: Likely benign. Last evaluated: 2022-09-01. Review status: criteria provided, single submitter. Criteria: CeGaT Center For Human Genetics Tuebingen Variant Classification Criteria Version 2. Collection method: clinical testing. Allele origin: germline. Affected: yes. Observed: 1 variant allele.
Comment: CIROP: BP4, BP7